The following is an entry in ClinVar:

NM_033028.5(BBS4):c.1182A>G (p.Gln394=)

Gene: BBS4 (Bardet-Biedl syndrome 4; plus strand). Cytogenetic location: 15q24.1.
Variant type: single nucleotide variant.
Coding change: c.1182A>G on transcript NM_033028.5 (MANE Select); coding-DNA position 1182, A replaced by G.
Protein change: p.Gln394=; no amino-acid change (glutamine 394 retained).
Molecular consequence: synonymous variant. On other transcripts: non-coding transcript variant (2).
Genome position (GRCh38, 1-based): chr15:72,735,900, A>G. VCF-style: chr15-72735900-A-G. GRCh37 (hg19) VCF-style: chr15-73028241-A-G.
Other names: c.666A>G, p.Gln222= (NM_001252678.2); c.1113A>G, p.Gln371= (NM_001320665.2).
Identifiers: ClinVar variation 704226 (VCV000704226.9), dbSNP rs771579669, ClinGen allele CA7646939.

ClinVar aggregate classification (germline): Likely benign. Review status: criteria provided, multiple submitters, no conflicts (2 of 4 stars). 2 submissions from 2 submitters: Likely benign (2). Last evaluated 2026-01-14.

Conditions:
BBS4-related disorder. Also called: BBS4-related condition.
Bardet-Biedl syndrome (BBS). Identifiers: Orphanet 110, MedGen C0752166, MONDO:0015229.

Allele frequency attached by ClinVar (database versions not stated): gnomAD 0.00001; gnomAD exomes 0.00001; ExAC 0.00002; TOPMed 0.00002.
gnomAD v4.1: 22 of 1,614,006 alleles (0.0014%); highest among the groups gnomAD compares: African/African-American, 0.004%; no homozygotes.

Submissions (2):

Labcorp Genetics (formerly Invitae), Labcorp
Classification: Likely benign for Bardet-Biedl syndrome. Last evaluated: 2026-01-14. Review status: criteria provided, single submitter. Criteria: Invitae Variant Classification Sherloc (09022015). Collection method: clinical testing. Allele origin: germline.

PreventionGenetics, part of Exact Sciences
Classification: Likely benign for BBS4-related condition. Last evaluated: 2025-07-10. Review status: criteria provided, single submitter. Criteria: ACMG Guidelines, 2015. Collection method: clinical testing. Allele origin: germline.
Comment: This variant is classified as likely benign based on ACMG/AMP sequence variant interpretation guidelines (Richards et al. 2015 PMID: 25741868, with internal and published modifications).